The following is an entry in ClinVar:

NM_020964.3(EPG5):c.31G>A (p.Ala11Thr)

Gene: EPG5 (ectopic P-granules 5 autophagy tethering factor; minus strand). Cytogenetic location: 18q21.1.
Variant type: single nucleotide variant.
Coding change: c.31G>A on transcript NM_020964.3 (MANE Select); coding-DNA position 31, G replaced by A.
Protein change: p.Ala11Thr; replaces alanine 11 with threonine.
Molecular consequence: missense variant.
Genome position (GRCh38, 1-based): chr18:45,967,209, C>T on the plus strand (G>A on the coding strand, the complement: EPG5 is on the minus strand). VCF-style: chr18-45967209-C-T. GRCh37 (hg19) VCF-style: chr18-43547175-C-T.
Other names: short protein forms A11T.
Identifiers: ClinVar variation 1388640 (VCV001388640.5), dbSNP rs375661582, ClinGen allele CA8950038.
Genomic context (GRCh38, chr18:45,967,209, plus strand): 5'-GCCTCGGGAGGGTGGGGGAGATCCTCACCTTTGTTTTAGTCCGGCTGGCCTTGGCCTTGG[C>T]CCGGCGCTGGGGCTTCACCGCCTCGGCCATAGACCCTTCCGCGGCGCCGTCACCGTTTGT-3'
Protein context (NP_066015.2, residues 1-21): MAEAVKPQRR[Ala11Thr]KAKASRTKTK

ClinVar aggregate classification (germline): Conflicting classifications of pathogenicity. Review status: criteria provided, conflicting classifications (1 of 4 stars). 2 submissions from 2 submitters: Uncertain significance (1); Likely benign (1). Last evaluated 2024-09-21.

Conditions:
Vici syndrome (VICIS). Identifiers: Orphanet 1493, MedGen C1855772, MONDO:0009452, OMIM 242840.

Allele frequency attached by ClinVar (database versions not stated): TOPMed 0.00001; gnomAD 0.00007; ESP Exome Variant Server 0.00008; gnomAD exomes 0.00013 and 0.00023; 1000 Genomes Project 30x 0.00016; 1000 Genomes Project 0.00020; ExAC 0.00034.
gnomAD v4.1: 193 of 1,605,542 alleles (0.012%); highest among the groups gnomAD compares: South Asian, 0.18%; no homozygotes.

Submissions (2):

Blueprint Genetics
Classification: Likely benign. Last evaluated: 2024-09-21. Review status: criteria provided, single submitter. Criteria: ACMG Guidelines, 2015. Collection method: clinical testing. Allele origin: germline.

Labcorp Genetics (formerly Invitae), Labcorp
Classification: Uncertain significance for Vici syndrome. Last evaluated: 2022-10-17. Review status: criteria provided, single submitter. Criteria: Invitae Variant Classification Sherloc (09022015). Collection method: clinical testing. Allele origin: germline.
Comment: This sequence change replaces alanine, which is neutral and non-polar, with threonine, which is neutral and polar, at codon 11 of the EPG5 protein (p.Ala11Thr). This variant is present in population databases (rs375661582, gnomAD 0.2%). This variant has not been reported in the literature in individuals affected with EPG5-related conditions. ClinVar contains an entry for this variant (Variation ID: 1388640). Algorithms developed to predict the effect of missense changes on protein structure and function output the following: SIFT: "Deleterious"; PolyPhen-2: "Probably Damaging"; Align-GVGD: "Class C0". The threonine amino acid residue is found in multiple mammalian species, which suggests that this missense change does not adversely affect protein function. In summary, the available evidence is currently insufficient to determine the role of this variant in disease. Therefore, it has been classified as a Variant of Uncertain Significance.